The following is an entry in ClinVar:

ClinVar aggregate classification (germline): Likely benign. Review status: criteria provided, multiple submitters, no conflicts (2 of 4 stars). 2 submissions from 2 submitters: Likely benign (2). Last evaluated 2024-05-29.

Conditions:
Neuronal ceroid lipofuscinosis. Also called: Neuronal Ceroid Lipofuscinoses. Identifiers: Orphanet 216, Orphanet 79263, MedGen C0027877, MONDO:0016295. Disease mechanism: loss of function.

Allele frequency attached by ClinVar (database versions not stated): TOPMed 0.00001; gnomAD exomes 0.00002 and 0.00005; ExAC 0.00006.

Submissions (2):

Labcorp Genetics (formerly Invitae), Labcorp
Classification: Likely benign for Neuronal ceroid lipofuscinosis. Last evaluated: 2024-05-29. Review status: criteria provided, single submitter. Criteria: Invitae Variant Classification Sherloc (09022015). Collection method: clinical testing. Allele origin: germline.

GeneDx
Classification: Likely benign. Last evaluated: 2016-11-16. Review status: criteria provided, single submitter. Criteria: GeneDx Variant Classification (06012015). Collection method: clinical testing. Allele origin: germline. Affected: yes.
Comment: This variant is considered likely benign or benign based on one or more of the following criteria: it is a conservative change, it occurs at a poorly conserved position in the protein, it is predicted to be benign by multiple in silico algorithms, and/or has population frequency not consistent with disease.

NM_001909.5(CTSD):c.534C>G (p.Val178=)

Gene: CTSD (cathepsin D; minus strand). Cytogenetic location: 11p15.5.
Variant type: single nucleotide variant.
Coding change: c.534C>G on transcript NM_001909.5 (MANE Select); coding-DNA position 534, C replaced by G.
Protein change: p.Val178=; no amino-acid change (valine 178 retained).
Molecular consequence: synonymous variant.
Genome position (GRCh38, 1-based): chr11:1,757,494, G>C on the plus strand (C>G on the coding strand, the complement: CTSD is on the minus strand). VCF-style: chr11-1757494-G-C. GRCh37 (hg19) VCF-style: chr11-1778724-G-C.
Identifiers: ClinVar variation 390940 (VCV000390940.11), dbSNP rs758852382, ClinGen allele CA5814141.